The following is an entry in ClinVar:

ClinVar aggregate classification (germline): Pathogenic (1 of 4 stars; one submission).

Conditions:
Neurodevelopmental disorder with ataxic gait, absent speech, and decreased cortical white matter. Identifiers: MedGen C4540498, MONDO:0060624, OMIM 617807.

Submission:

MVZ Praenatalmedizin und Genetik Nuernberg
Classification: Pathogenic for Neurodevelopmental disorder with ataxic gait, absent speech, and decreased cortical white matter. Last evaluated: 2025-08-11. Review status: criteria provided, single submitter. Criteria: ACMG Guidelines, 2015. Collection method: clinical testing. Allele origin: de novo. Affected: yes.
Comment: It is located in exon 2 of the RAB11B gene in the region of an essential GDP/GTP binding site (PMID: 29106825). It has not yet been detected in the general population (gnomAD v2/v4) nor annotated in the ClinVar database. It has been detected heterozygous de novo in a patient with severe developmental delay. The authors classified the change as pathogenic. In silico predictions strongly indicate a pathogenic effect of the variant (CADD 33, REVEL 0.862, alphaMissense 0.999). In addition, an alternative exchange affecting the same amino acid position (c.64G>A, (p.Val22Met)) has already been detected multiple times in independent patients classified as pathogenic (ClinVar, PMIDs: 29106825, 37734130). In summary, based on the current data, we consider this variant to be a pathogenic.

Literature cited by the submitters: PubMed 29106825; PubMed 37734130.

NM_004218.4(RAB11B):c.64G>T (p.Val22Leu)

Gene: RAB11B (RAB11B, member RAS oncogene family; plus strand). Cytogenetic location: 19p13.2.
Variant type: single nucleotide variant.
Coding change: c.64G>T on transcript NM_004218.4 (MANE Select); coding-DNA position 64, G replaced by T.
Protein change: p.Val22Leu; replaces valine 22 with leucine.
Molecular consequence: missense variant.
Genome position (GRCh38, 1-based): chr19:8,399,886, G>T. VCF-style: chr19-8399886-G-T. GRCh37 (hg19) VCF-style: chr19-8464770-G-T.
Other names: short protein forms V22L.
Identifiers: ClinVar variation 4813460 (VCV004813460.1).